The following is an entry in ClinVar:

ClinVar aggregate classification (germline): Pathogenic/Likely pathogenic. Review status: criteria provided, multiple submitters, no conflicts (2 of 4 stars). 11 submissions from 10 submitters: Pathogenic (8); Likely pathogenic (1). 2 of the submissions do not count toward it. Last evaluated 2026-06-26.

Conditions:
ABCA4-related disorder. Also called: ABCA4-related condition; ABCA4-related disorders. Identifiers: MedGen CN239167.
Cone-rod dystrophy 3 (CORD3). Identifiers: Orphanet 1872, MedGen C1858806, MONDO:0011395, OMIM 604116.
Age related macular degeneration 2. Also called: MACULAR DEGENERATION, SENILE; MACULOPATHY, AGE-RELATED, 2; MACULOPATHY, AGE-RELATED. Identifiers: MedGen C3495438, MONDO:0007932, OMIM 153800.
Retinitis pigmentosa 19 (RP19). Also called: ABCA4-Related Retinitis Pigmentosa. Identifiers: Orphanet 791, MedGen C1866422, MONDO:0011137, OMIM 601718.
Severe early-childhood-onset retinal dystrophy (STGD1). Also called: MACULAR DYSTROPHY WITH FLECKS, TYPE 1; STGD; Stargardt disease 1; Stargardt macular dystrophy; Juvenile onset macular degeneration. Identifiers: Orphanet 364055, Orphanet 827, MedGen C1855465, MeSH D000080362, MONDO:0009549, OMIM 248200.
Stargardt disease (FFM). Also called: Fundus flavimaculatus; Stargardt's disease. Identifiers: Orphanet 827, MedGen C0271093, MONDO:0019353.
Cone-rod dystrophy. Also called: Cone-rod degeneration; Cone/cone-rod dystrophy. Identifiers: Orphanet 1872, MedGen C4085590, MONDO:0015993, HP:0000548.

Submissions (11):

PreventionGenetics, part of Exact Sciences
Classification: Likely pathogenic for ABCA4-related condition. Last evaluated: 2026-06-26. Review status: criteria provided, single submitter. Criteria: ACMG Guidelines, 2015. Collection method: clinical testing. Allele origin: germline.
Comment: The ABCA4 c.5044_5058del15 variant is predicted to result in an in-frame deletion (p.Val1682_Val1686del). This variant is also known as c.5041_5055del, p.Val1681_Cys1685del in the literature. This variant is most often reported in cis with c.4926C>G as a complex allele, [c.5044_5058del; c.4926C>G]. This complex allele has been reported in the homozygous or compound heterozygous states in many individuals with ABCA4-related disorders (see, for example, Porto et al. 2017. PubMed ID: 29186038; Salles et al. 2017. PubMed ID: 29114839; Table S1, Del Pozo-Valero et al. 2020. PubMed ID: 32619608). The c.5044_5058del variant has also been reported alone without c.4926C>G in multiple patients with ABCA4- associated retinal disorders (for example, Allikmets et al. 1997. PubMed ID: 9054934, reported as c.4927del15 in the AR293 patient; Riveiro-Alvarez et al. 2013. PubMed ID: 23755871; Table S2, Peter et al. 2023. PubMed ID: 36909829). This variant is reported in 0.020% of alleles in individuals of Latino descent in gnomAD. Given the evidence, the complex allele [c.5044_5058del; c.4926C>G] is classified as pathogenic. In isolation, the c.5044_5058del variant is classified as likely pathogenic.

Labcorp Genetics (formerly Invitae), Labcorp
Classification: Pathogenic. Last evaluated: 2025-12-20. Review status: criteria provided, single submitter. Criteria: Invitae Variant Classification Sherloc (09022015). Collection method: clinical testing. Allele origin: germline.
Comment: This variant, c.5044_5058del, results in the deletion of 5 amino acid(s) of the ABCA4 protein (p.Val1682_Val1686del), but otherwise preserves the integrity of the reading frame. This variant is present in population databases (rs767421372, gnomAD 0.02%). This variant has been observed in individual(s) with autosomal recessive retinal disease, commonly in cis with the pathogenic variant c.4926C>G (p.Ser1642Arg). This variant has also been observed without p.Ser1642Arg in individuals with autosomal recessive Stargardt disease or cone-rod dystrophy, and the evidence is sufficient to classify p.Val1682_Val1686del as Pathogenic in isolation, whether or not p.Ser1642Arg is present (PMID: 9054934, 23419329, 23755871, 29114839, 29186038, 30060493, 30093795). In at least one individual the data is consistent with being in trans (on the opposite chromosome) from a pathogenic variant. This variant is also known as 4927del15 (delVVAIC1643). ClinVar contains an entry for this variant (Variation ID: 99340). Experimental studies and prediction algorithms are not available or were not evaluated, and the functional significance of this variant is currently unknown. For these reasons, this variant has been classified as Pathogenic.

Blueprint Genetics
Classification: Pathogenic for ABCA4-related disorders. Last evaluated: 2024-11-25. Review status: criteria provided, single submitter. Criteria: ACMG Guidelines, 2015. Collection method: clinical testing. Allele origin: germline. Affected: yes. Observed: 5 variant alleles.

Ophthalmic Genetics Group, Institute of Molecular and Clinical Ophthalmology Basel
Classification: Pathogenic for Stargardt disease. Last evaluated: 2023-07-24. Review status: criteria provided, single submitter. Criteria: ACMG Guidelines, 2015. Collection method: research. Allele origin: germline. Affected: yes. Observed: 1 variant allele.
Comment: Clinical significance based on ACMG v2.0

This variant was classified as Pathogenic based on ACMG criteria: PM2, PM4, PM1, PP5.

Ophthalmic Genetics Group, Institute of Molecular and Clinical Ophthalmology Basel
Classification: Pathogenic for Cone-rod dystrophy. Last evaluated: 2023-07-24. Review status: criteria provided, single submitter. Criteria: ACMG Guidelines, 2015. Collection method: research. Allele origin: germline. Affected: yes. Observed: 2 variant alleles.
Comment: the same text as in the submission from Ophthalmic Genetics Group, Institute of Molecular and Clinical Ophthalmology Basel above.

3billion
Classification: Pathogenic for Severe early-childhood-onset retinal dystrophy. Last evaluated: 2022-05-22. Review status: criteria provided, single submitter. Criteria: ACMG Guidelines, 2015. Collection method: clinical testing. Allele origin: germline. Affected: yes. Observed: 1 homozygote.
Comment: The variant is observed at an extremely low frequency in the gnomAD v2.1.1 dataset (total allele frequency: 0.003%). Inframe deletion located in a nonrepeat region: predicted to change the length of the protein and disrupt normal protein function. The variant has been reported to be in trans with a pathogenic variant as either compound heterozygous or homozygous in at least one similarly affected unrelated individual (PMID: 29186038, 30093795). The variant has been reported at least twice as pathogenic with clinical assertions and evidence for the classification (ClinVar ID: VCV000099340 / PMID: 9054934 / 3billion dataset). Therefore, this variant is classified as pathogenic according to the recommendation of ACMG/AMP guideline.

Fulgent Genetics
Classification: Pathogenic for Age related macular degeneration 2; Severe early-childhood-onset retinal dystrophy; Retinitis pigmentosa 19; Cone-rod dystrophy 3. Last evaluated: 2021-12-23. Review status: criteria provided, single submitter. Criteria: ACMG Guidelines, 2015. Collection method: clinical testing. Allele origin: unknown.

Institute of Medical Genetics and Applied Genomics, University Hospital Tübingen
Classification: Pathogenic. Last evaluated: 2020-10-23. Review status: criteria provided, single submitter. Criteria: ACMG Guidelines, 2015. Collection method: clinical testing. Allele origin: germline. Inheritance: Autosomal recessive inheritance. Affected: yes.

Mendelics
Classification: Pathogenic for Severe early-childhood-onset retinal dystrophy. Last evaluated: 2019-05-28. Review status: criteria provided, single submitter. Criteria: Mendelics Assertion Criteria 2017. Collection method: clinical testing. Allele origin: unknown.

Ophthalmo-Genetics Lab, Instituto de Oftalmologia Conde de Valenciana
Classification: Pathogenic for Severe early-childhood-onset retinal dystrophy. Review status: no assertion criteria provided. Collection method: research. Allele origin: germline. Inheritance: Autosomal recessive inheritance. Affected: yes. Not counted in ClinVar's aggregate classification.

Retina International
No classification provided. Review status: no classification provided. Collection method: not provided. Allele origin: not provided. Not counted in ClinVar's aggregate classification.

Literature cited by the submitters: PubMed 9054934 (cited by Labcorp Genetics (formerly Invitae), Labcorp and 3billion); PubMed 23419329 (cited by Labcorp Genetics (formerly Invitae), Labcorp); PubMed 23755871 (cited by Labcorp Genetics (formerly Invitae), Labcorp); PubMed 29114839 (cited by Labcorp Genetics (formerly Invitae), Labcorp); PubMed 29186038 (cited by Labcorp Genetics (formerly Invitae), Labcorp and 3billion); PubMed 30060493 (cited by Labcorp Genetics (formerly Invitae), Labcorp); PubMed 30093795 (cited by 3 submitters); PubMed 36909829 (cited by Ophthalmic Genetics Group, Institute of Molecular and Clinical Ophthalmology Basel).

NM_000350.3(ABCA4):c.5044_5058del (p.Val1682_Val1686del)

Gene: ABCA4 (ATP binding cassette subfamily A member 4; minus strand). Cytogenetic location: 1p22.1.
Variant type: Deletion.
Coding change: c.5044_5058del on transcript NM_000350.3 (MANE Select); coding-DNA positions 5044 to 5058, 15 bases deleted (GTTGCCATCTGCGTG).
Protein change: p.Val1682_Val1686del.
Molecular consequence: inframe deletion. On other transcripts: inframe indel (1).
Genome position (GRCh38, 1-based): chr1:94,019,720-94,019,734, CACGCAGATGGCAAC deleted on the plus strand (GTTGCCATCTGCGTG on the coding strand, the reverse complement: ABCA4 is on the minus strand); deleting any 15 consecutive bases within chr1:94,019,720-94,019,737 gives the same sequence; the c. name uses the placement nearest the transcript's 3' end. VCF-style (leftmost placement, unchanged base first): chr1-94019719-TCACGCAGATGGCAAC-T. GRCh37 (hg19) VCF-style: chr1-94485275-TCACGCAGATGGCAAC-T.
Other names: NC_000001.10:g.94485279_94485293del; NP_000341.2:p.(Val1682_Val1686del); c.5044_5058del15 (NM_000350.2); c.4819_4833delGTGGTTGCCATCTGC, p.Val1608_Val1612del (NM_001425324.1).
Identifiers: ClinVar variation 99340 (VCV000099340.19), dbSNP rs62646872, ClinGen allele CA227266.